The following is an entry in ClinVar:

ClinVar aggregate classification (germline): Uncertain significance (1 of 4 stars; one submission).

Conditions:
Neurofibromatosis, type 1 (NF1). Also called: VON RECKLINGHAUSEN DISEASE; Neurofibromatosis, type I; NEUROFIBROMATOSIS, TYPE I, SOMATIC; Peripheral type neurofibromatosis. Identifiers: Orphanet 636, MedGen C0027831, MONDO:0018975, OMIM 162200. Disease mechanism: loss of function.

Submission:

Labcorp Genetics (formerly Invitae), Labcorp
Classification: Uncertain significance for Neurofibromatosis, type 1. Last evaluated: 2021-05-16. Review status: criteria provided, single submitter. Criteria: Invitae Variant Classification Sherloc (09022015). Collection method: clinical testing. Allele origin: germline.
Comment: In summary, the available evidence is currently insufficient to determine the role of this variant in disease. Therefore, it has been classified as a Variant of Uncertain Significance. Advanced modeling of protein sequence and biophysical properties (such as structural, functional, and spatial information, amino acid conservation, physicochemical variation, residue mobility, and thermodynamic stability) performed at Invitae indicates that this missense variant is not expected to disrupt NF1 protein function. This variant has not been reported in the literature in individuals with NF1-related conditions. This variant is not present in population databases (ExAC no frequency). This sequence change replaces histidine with asparagine at codon 975 of the NF1 protein (p.His975Asn). The histidine residue is moderately conserved and there is a small physicochemical difference between histidine and asparagine.

NM_001042492.3(NF1):c.2923C>A (p.His975Asn)

Gene: NF1 (neurofibromin 1; plus strand). Cytogenetic location: 17q11.2.
Variant type: single nucleotide variant.
Coding change: c.2923C>A on transcript NM_001042492.3 (MANE Select); coding-DNA position 2923, C replaced by A.
Protein change: p.His975Asn; replaces histidine 975 with asparagine.
Molecular consequence: missense variant.
Genome position (GRCh38, 1-based): chr17:31,229,907, C>A. VCF-style: chr17-31229907-C-A. GRCh37 (hg19) VCF-style: chr17-29556925-C-A.
Other names: c.2923C>A, p.His975Asn (NM_000267.4); short protein forms H975N.
Identifiers: ClinVar variation 1395304 (VCV001395304.8), dbSNP rs2151430673, ClinGen allele CA398986212.
Genomic context (GRCh38, chr17:31,229,907, plus strand): 5'-GATACCAATACTCAATTTGTAGAACAAACCATAGCTATAATGAAGAACTTGCTAGATAAT[C>A]ATACTGAAGGCAGCTCTGAACATCTAGGGCAAGCTAGCATTGAAACAATGATGTTAAATC-3'
Protein context (NP_001035957.1, residues 965-985): IAIMKNLLDN[His975Asn]TEGSSEHLGQ